The following is an entry in ClinVar:

ClinVar aggregate classification (germline): Conflicting classifications of pathogenicity. Review status: criteria provided, conflicting classifications (1 of 4 stars). 4 submissions from 4 submitters: Likely pathogenic (2); Uncertain significance (1). 1 of the submissions does not count toward it. Last evaluated 2026-06-16.
ClinVar aggregate classification (somatic clinical impact): Tier II - Potential (1 of 4 stars; one submission).

Conditions:
Renal cell carcinoma. Identifiers: Orphanet 217071, MedGen C0007134, MeSH D002292, MONDO:0005086, HP:0005584.
Hereditary cancer-predisposing syndrome. Also called: Tumor predisposition; Hereditary Cancer Syndrome; Hereditary neoplastic syndrome; Neoplastic Syndromes, Hereditary. Identifiers: Orphanet 140162, MedGen C0027672, MeSH D009386, MONDO:0015356.
Papillary renal cell carcinoma type 1 (RCCP1). Also called: Renal adenocarcinoma; Renal cell carcinoma 1; Renal cell carcinoma, somatic; RENAL CELL CARCINOMA, PAPILLARY, 1, SOMATIC. Identifiers: Orphanet 47044, MedGen C1336839, OMIM 605074, HP:0011797.
Embryonal rhabdomyosarcoma (ERMS). Also called: Botryoid rhabdomyosarcoma (type of ERMS); Spindle cell rhabdomyosarcomas (type of ERMS). Identifiers: Orphanet 99757, MedGen C0206656, MONDO:0009993, HP:0006743.

Allele frequency attached by ClinVar (database versions not stated): TOPMed below 0.00001.

Submissions (5):

Ambry Genetics
Classification: Likely pathogenic for Hereditary cancer-predisposing syndrome. Last evaluated: 2026-06-16. Review status: criteria provided, single submitter. Criteria: Ambry Variant Classification Scheme 2023. Collection method: clinical testing. Allele origin: germline.
Comment: The p.Y1248C variant (also known as c.3743A>G), located in coding exon 18 of the MET gene, results from an A to G substitution at nucleotide position 3743. The tyrosine at codon 1248 is replaced by cysteine, an amino acid with highly dissimilar properties. This variant is reported in individuals with papillary renal cell carcinoma (Schmidt L et al. Nat Genet, 1997 May;16:68-73; Sebai M et al. Hum Mutat, 2022 Mar;43:316-327). Functional studies indicate that the p.Y1248C alteration increases tyrosine kinase activity and confers cell transformation properties (Jeffers M et al. Proc Natl Acad Sci U S A, 1997 Oct;94:11445-50). Based on structural analysis, this variant is located in the tyrosine kinase domain and is mildly destabilizing to the local structure (Yuan H et al. Eur J Med Chem, 2018 Jan;143:491-502; Ambry internal data). This amino acid position is well conserved in available vertebrate species. This variant is considered to be rare based on population cohorts in the Genome Aggregation Database (gnomAD). In addition, this alteration is predicted to be deleterious by in silico analysis. Based on the majority of available evidence to date, this variant is likely to be pathogenic.

Institute for Genomic Medicine (IGM) Clinical Laboratory, Nationwide Children's Hospital
Classification: Tier II - Potential for Embryonal rhabdomyosarcoma. Assertion type: diagnostic. Clinical significance: supports diagnosis. Last evaluated: 2025-02-26. Review status: criteria provided, single submitter. Criteria: AMP/ASCO/CAP Guidelines, 2017. Collection method: clinical testing. Allele origin: somatic. Affected: yes.
Comment: Variant has Tier II (potential) clinical significance as a diagnostic inclusion criterion in embryonal rhabdomyosarcoma, based on the following evidence: 1) Documented in one or more cancer databases (e.g., St. Jude Pecan, COSMIC, CIViC, OncoKB). 2) Information in the literature supports potential biologic effect of variant (PMIDs: 9826708, 19861919). 3) Diagnostic significance based on multiple small studies (Evidence Level C; PMIDs: 24436047, 34166060).

Myriad Genetics, Inc.
Classification: Likely pathogenic for Papillary renal cell carcinoma type 1. Last evaluated: 2023-03-02. Review status: criteria provided, single submitter. Criteria: Myriad Autosomal Dominant, Autosomal Recessive and X-Linked Classification Criteria (2023). Collection method: clinical testing. Allele origin: unknown.
Comment: This variant is considered likely pathogenic. This variant has been reported in multiple individuals with clinical features of gene-specific disease [PMID: 9140397, 34882875]. Functional studies indicate this variant impacts protein function [PMID: 9326629, 9826708, 10498872].

Labcorp Genetics (formerly Invitae), Labcorp
Classification: Uncertain significance for Renal cell carcinoma. Last evaluated: 2021-09-23. Review status: criteria provided, single submitter. Criteria: Invitae Variant Classification Sherloc (09022015). Collection method: clinical testing. Allele origin: germline.
Comment: Experimental studies have shown that this variant affects MET protein function (PMID: 9826708). This variant has been observed in an individual with bilateral papillary renal carcinoma, stomach cancer, and rectal cancer (PMID: 9140397). ClinVar contains an entry for this variant (Variation ID: 13885). In summary, the available evidence is currently insufficient to determine the role of this variant in disease. Therefore, it has been classified as a Variant of Uncertain Significance. This variant is not present in population databases (ExAC no frequency). This sequence change replaces tyrosine with cysteine at codon 1248 of the MET protein (p.Tyr1248Cys). The tyrosine residue is highly conserved and there is a large physicochemical difference between tyrosine and cysteine.

OMIM
Classification: Pathogenic for RENAL CELL CARCINOMA, PAPILLARY, 1. Last evaluated: 1997-05-01. Review status: no assertion criteria provided. Collection method: literature only. Allele origin: germline. Not counted in ClinVar's aggregate classification.

Literature cited by the submitters: PubMed 29202410 (cited by Ambry Genetics); PubMed 34882875 (cited by Ambry Genetics and Myriad Genetics, Inc.); PubMed 9140397 (cited by 4 submitters); PubMed 9326629 (cited by Ambry Genetics and Myriad Genetics, Inc.); PubMed 9826708 (cited by 3 submitters); PubMed 19861919 (cited by Institute for Genomic Medicine (IGM) Clinical Laboratory, Nationwide Children's Hospital); PubMed 24436047 (cited by Institute for Genomic Medicine (IGM) Clinical Laboratory, Nationwide Children's Hospital); PubMed 34166060 (cited by Institute for Genomic Medicine (IGM) Clinical Laboratory, Nationwide Children's Hospital); PubMed 10498872 (cited by Myriad Genetics, Inc.).

NM_000245.4(MET):c.3689A>G (p.Tyr1230Cys)

Gene: MET (MET proto-oncogene, receptor tyrosine kinase; plus strand). Cytogenetic location: 7q31.2.
Variant type: single nucleotide variant.
Coding change: c.3689A>G on transcript NM_000245.4 (MANE Select); coding-DNA position 3689, A replaced by G.
Protein change: p.Tyr1230Cys; replaces tyrosine 1230 with cysteine.
Molecular consequence: missense variant.
Genome position (GRCh38, 1-based): chr7:116,783,360, A>G. VCF-style: chr7-116783360-A-G. GRCh37 (hg19) VCF-style: chr7-116423414-A-G.
Other names: c.3743A>G, p.Tyr1248Cys (LRG_662t1, NM_001127500.3); c.2399A>G, p.Tyr800Cys (NM_001324402.2); short protein forms Y1248C, Y1230C, Y800C.
Identifiers: ClinVar variation 13885 (VCV000013885.15), dbSNP rs121913246, ClinGen allele CA257003.